The following is an entry in ClinVar:

NM_001080414.4(CCDC88C):c.3772_3773del (p.Leu1258fs)

Gene: CCDC88C (coiled-coil and HOOK domain protein 88C; minus strand). Cytogenetic location: 14q32.11.
Variant type: Deletion.
Coding change: c.3772_3773del on transcript NM_001080414.4 (MANE Select); coding-DNA positions 3772 to 3773, 2 bases deleted (CT; older notation c.3772_3773delCT).
Protein change: p.Leu1258fs; shifts the reading frame from leucine 1258.
Molecular consequence: frameshift variant.
Genome position (GRCh38, 1-based): chr14:91,299,933-91,299,934, AG deleted on the plus strand (CT on the coding strand, the reverse complement: CCDC88C is on the minus strand). VCF-style (leftmost placement, unchanged base first): chr14-91299932-CAG-C. GRCh37 (hg19) VCF-style: chr14-91766276-CAG-C.
Other names: short protein forms L1258fs.
Identifiers: ClinVar variation 2848557 (VCV002848557.3), dbSNP rs2544335297, ClinGen allele CA2626130294.
Genomic context (GRCh38, chr14:91,299,932, plus strand): 5'-AGTCTGAACAGAATCTGGGGTGCTGCTATGTGCAGGGCCGGGCGCCGGCGCTCACCTGTC[CAG>C]CTCGCCCCGCAGCCTCTGGTTCTCGCCCATGGCGAGGGCGTTTGTCCTCTGCTCCTGCTG-3'

ClinVar aggregate classification (germline): Pathogenic (1 of 4 stars; one submission).

Allele frequency attached by ClinVar (database versions not stated): gnomAD exomes below 0.00001.

Submission:

Labcorp Genetics (formerly Invitae), Labcorp
Classification: Pathogenic. Last evaluated: 2023-03-22. Review status: criteria provided, single submitter. Criteria: Invitae Variant Classification Sherloc (09022015). Collection method: clinical testing. Allele origin: germline.
Comment: This sequence change creates a premature translational stop signal (p.Leu1258Glyfs*64) in the CCDC88C gene. It is expected to result in an absent or disrupted protein product. Loss-of-function variants in CCDC88C are known to be pathogenic (PMID: 23042809, 29225145). This variant is not present in population databases (gnomAD no frequency). This variant has not been reported in the literature in individuals affected with CCDC88C-related conditions. For these reasons, this variant has been classified as Pathogenic.

Literature cited by the submitters: PubMed 23042809; PubMed 29225145.